The following is an entry in ClinVar:

NM_000051.4(ATM):c.8672-20C>T

Genes: ATM (ATM serine/threonine kinase; plus strand), C11orf65 (chromosome 11 open reading frame 65; minus strand). Cytogenetic location: 11q22.3.
Variant type: single nucleotide variant.
Coding change: c.8672-20C>T on transcript NM_000051.4 (MANE Select); 20 bases into the intron before coding-DNA position 8672, C replaced by T.
Molecular consequence: intron variant.
Genome position (GRCh38, 1-based): chr11:108,353,746, C>T. VCF-style: chr11-108353746-C-T. GRCh37 (hg19) VCF-style: chr11-108224473-C-T.
Other names: c.8672-20C>T (NM_001351834.2); c.640+32174G>A (NM_001330368.2); c.695-18454G>A (NM_001351110.2).
Identifiers: ClinVar variation 3253968 (VCV003253968.1), dbSNP rs777009954.

ClinVar aggregate classification (germline): Likely benign (1 of 4 stars; one submission).

Conditions:
Familial cancer of breast. Also called: hereditary breast carcinoma; BREAST CANCER, FAMILIAL; Hereditary breast cancer. Identifiers: Orphanet 227535, MedGen C0346153, MONDO:0016419, OMIM 114480. Disease mechanism: loss of function.

Allele frequency attached by ClinVar (database versions not stated): ExAC 0.00001.

Submission:

Myriad Genetics, Inc.
Classification: Likely benign for Familial cancer of breast. Last evaluated: 2024-06-20. Review status: criteria provided, single submitter. Criteria: Myriad Autosomal Dominant, Autosomal Recessive and X-Linked Classification Criteria (2023). Collection method: clinical testing. Allele origin: unknown.
Comment: This variant is considered likely benign. This variant is intronic and is not expected to impact mRNA splicing.